The following is an entry in ClinVar:

NM_001267550.2(TTN):c.102697T>C (p.Tyr34233His)

Genes: TTN (titin; minus strand), TTN-AS1 (TTN antisense RNA 1; plus strand). Cytogenetic location: 2q31.2.
Variant type: single nucleotide variant.
Coding change: c.102697T>C on transcript NM_001267550.2 (MANE Select); coding-DNA position 102697, T replaced by C.
Protein change: p.Tyr34233His; replaces tyrosine 34233 with histidine.
Molecular consequence: missense variant.
Genome position (GRCh38, 1-based): chr2:178,533,918, A>G on the plus strand (T>C on the coding strand, the complement: TTN is on the minus strand). VCF-style: chr2-178533918-A-G. GRCh37 (hg19) VCF-style: chr2-179398645-A-G.
Other names: c.97774T>C, p.Tyr32592His (NM_001256850.1); c.75502T>C, p.Tyr25168His (NM_003319.4); c.94993T>C, p.Tyr31665His (NM_133378.4); c.75877T>C, p.Tyr25293His (NM_133432.3); c.76078T>C, p.Tyr25360His (NM_133437.4); short protein forms Y25168H, Y25293H, Y25360H, Y31665H, Y32592H, Y34233H.
Identifiers: ClinVar variation 1063469 (VCV001063469.7), dbSNP rs1460715226, ClinGen allele CA349416960.

ClinVar aggregate classification (germline): Uncertain significance (1 of 4 stars; one submission).

Conditions:
Dilated cardiomyopathy 1G (CMD1G). Identifiers: Orphanet 154, MedGen C1858763, MONDO:0011400, OMIM 604145.
Autosomal recessive limb-girdle muscular dystrophy type 2J (LGMDR10). Also called: Limb-girdle muscular dystrophy, type 2J; MUSCULAR DYSTROPHY, LIMB-GIRDLE, AUTOSOMAL RECESSIVE 10. Identifiers: Orphanet 140922, MedGen C1837342, MONDO:0012127, OMIM 608807.

Allele frequency attached by ClinVar (database versions not stated): TOPMed below 0.00001; gnomAD 0.00001.
gnomAD v4.1: 1 of 1,613,746 alleles (0.000062%); highest among the groups gnomAD compares: Non-Finnish European, 0.000085%; no homozygotes.

Submission:

Labcorp Genetics (formerly Invitae), Labcorp
Classification: Uncertain significance for Dilated cardiomyopathy 1G; Autosomal recessive limb-girdle muscular dystrophy type 2J. Last evaluated: 2020-10-10. Review status: criteria provided, single submitter. Criteria: Invitae Variant Classification Sherloc (09022015). Collection method: clinical testing. Allele origin: germline.
Comment: This variant is located in the M band of TTN (PMID: 25589632). Variants in this region may be relevant for neuromuscular disorders, but have not been definitively shown to cause cardiomyopathy (PMID: 23975875). In summary, the available evidence is currently insufficient to determine the role of this variant in disease. Therefore, it has been classified as a Variant of Uncertain Significance. Algorithms developed to predict the effect of missense changes on protein structure and function are unavailable for the TTN gene. This variant has not been reported in the literature in individuals with TTN-related conditions. This variant is not present in population databases (ExAC no frequency). This sequence change replaces tyrosine with histidine at codon 34233 of the TTN protein (p.Tyr34233His). There is a moderate physicochemical difference between tyrosine and histidine.

Literature cited by the submitters: PubMed 25589632; PubMed 23975875.